The following is an entry in ClinVar:

ClinVar aggregate classification (germline): Uncertain significance (1 of 4 stars; one submission).

Conditions:
Deficiency of phosphoserine phosphatase (PSPHD). Also called: Phosphoserine phosphatase deficiency; PSPH deficiency. Identifiers: Orphanet 79350, MedGen C1291463, MONDO:0013531, OMIM 614023.

Submission:

Labcorp Genetics (formerly Invitae), Labcorp
Classification: Uncertain significance for Deficiency of phosphoserine phosphatase. Last evaluated: 2022-01-15. Review status: criteria provided, single submitter. Criteria: Invitae Variant Classification Sherloc (09022015). Collection method: clinical testing. Allele origin: germline.
Comment: In summary, the available evidence is currently insufficient to determine the role of this variant in disease. Therefore, it has been classified as a Variant of Uncertain Significance. This variant has not been reported in the literature in individuals affected with PSPH-related conditions. A gross deletion of the genomic region encompassing the full coding sequence of the PSPH gene has been identified. The current clinical and genetic evidence is not sufficient to establish whether loss-of-function variants in PSPH cause disease. The boundaries of this event are unknown as they extend beyond the assayed region for this gene and therefore may encompass additional genes.

NC_000007.13:g.(?_56079455)_(56174106_?)del

Genes: CCT6A (chaperonin containing TCP1 subunit 6A; plus strand), CHCHD2 (coiled-coil-helix-coiled-coil-helix domain containing 2; minus strand), PHKG1 (phosphorylase kinase catalytic subunit gamma 1; minus strand), PSPH (phosphoserine phosphatase; minus strand), SUMF2 (sulfatase modifying factor 2; plus strand). Cytogenetic location: 7p11.2.
Variant type: Deletion.
Identifiers: ClinVar variation 1411250 (VCV001411250.5).